The following is an entry in ClinVar:

ClinVar aggregate classification (germline): Likely pathogenic (1 of 4 stars; one submission).

Conditions:
Diamond-Blackfan anemia 8 (DBA8). Also called: RPS7-Related Diamond-Blackfan Anemia. Identifiers: Orphanet 124, MedGen C2675511, MONDO:0012939, OMIM 612563.

Submission:

Labcorp Genetics (formerly Invitae), Labcorp
Classification: Likely pathogenic for Diamond-Blackfan anemia 8. Last evaluated: 2023-08-07. Review status: criteria provided, single submitter. Criteria: Invitae Variant Classification Sherloc (09022015). Collection method: clinical testing. Allele origin: germline.
Comment: In summary, the currently available evidence indicates that the variant is pathogenic, but additional data are needed to prove that conclusively. Therefore, this variant has been classified as Likely Pathogenic. Algorithms developed to predict the effect of sequence changes on RNA splicing suggest that this variant may disrupt the consensus splice site. Disruption of this splice site has been observed in individual(s) with clinical features of Diamond-Blackfan anemia (PMID: 32054657). This variant is not present in population databases (gnomAD no frequency). This sequence change affects a donor splice site in intron 2 of the RPS7 gene. It is expected to disrupt RNA splicing. Variants that disrupt the donor or acceptor splice site typically lead to a loss of protein function (PMID: 16199547), and loss-of-function variants in RPS7 are known to be pathogenic (PMID: 23718193, 25424902).

Literature cited by the submitters: PubMed 32054657; PubMed 16199547; PubMed 23718193; PubMed 25424902.

NM_001011.4(RPS7):c.75+1G>T

Gene: RPS7 (ribosomal protein S7; plus strand). Cytogenetic location: 2p25.3.
Variant type: single nucleotide variant.
Coding change: c.75+1G>T on transcript NM_001011.4 (MANE Select); the canonical splice donor site of the intron after coding-DNA position 75, G replaced by T.
Molecular consequence: splice donor variant.
Genome position (GRCh38, 1-based): chr2:3,575,685, G>T. VCF-style: chr2-3575685-G-T. GRCh37 (hg19) VCF-style: chr2-3623275-G-T.
Identifiers: ClinVar variation 2780000 (VCV002780000.3), dbSNP rs1661257691, ClinGen allele CA345742670.